The following is an entry in ClinVar:

NM_003742.4(ABCB11):c.1198-2A>C

Gene: ABCB11 (ATP binding cassette subfamily B member 11; minus strand). Cytogenetic location: 2q31.1.
Variant type: single nucleotide variant.
Coding change: c.1198-2A>C on transcript NM_003742.4 (MANE Select); the canonical splice acceptor site of the intron before coding-DNA position 1198, A replaced by C.
Molecular consequence: splice acceptor variant.
Genome position (GRCh38, 1-based): chr2:168,976,689, T>G on the plus strand (A>C on the coding strand, the complement: ABCB11 is on the minus strand). VCF-style: chr2-168976689-T-G. GRCh37 (hg19) VCF-style: chr2-169833199-T-G.
Other names: c.1198-2A>C (NM_003742.2).
Identifiers: ClinVar variation 2003893 (VCV002003893.7), dbSNP rs2545409225, ClinGen allele CA349119600.

ClinVar aggregate classification (germline): Likely pathogenic. Review status: criteria provided, multiple submitters, no conflicts (2 of 4 stars). 4 submissions from 4 submitters: Likely pathogenic (4). Last evaluated 2025-01-14.

Conditions:
Progressive familial intrahepatic cholestasis type 2. Identifiers: Orphanet 79304, MedGen C3489789, MONDO:0011156, OMIM 601847.
ABCB11-related disorder. Also called: ABCB11-related condition.
Benign recurrent intrahepatic cholestasis type 2 (BRIC2). Also called: Recurrent familial intrahepatic cholestasis 2. Identifiers: Orphanet 65682, Orphanet 99961, MedGen C2608083, MONDO:0011559, OMIM 605479.

Submissions (4):

PreventionGenetics, part of Exact Sciences
Classification: Likely pathogenic for ABCB11-related condition. Last evaluated: 2025-01-14. Review status: criteria provided, single submitter. Criteria: ACMG Guidelines, 2015. Collection method: clinical testing. Allele origin: germline.
Comment: The ABCB11 c.1198-2A>C variant is predicted to disrupt the AG splice acceptor site and interfere with normal splicing. To our knowledge, this variant has not been reported in the literature or in a large population database (gnomAD), indicating this variant is rare. Variants that disrupt the consensus splice acceptor site in ABCB11 are expected to be pathogenic. This variant is interpreted as likely pathogenic.

Natera, Inc.
Classification: Likely pathogenic for Progressive familial intrahepatic cholestasis type 2. Last evaluated: 2024-11-27. Review status: criteria provided, single submitter. Criteria: Natera Variant Classification Schema (03/2026). Collection method: clinical testing. Allele origin: germline.
Comment: The c.1198-2A>C variant in ABCB11 is a canonical splice acceptor site variant predicted to affect pre-mRNA splicing, which may result in an abnormal transcript and altered protein product. This variant is expected to result in nonsense mediated decay, truncation, or a dysfunctional protein product. This variant is rare in the general population with a frequency below the threshold expected for the associated phenotype(s). Given the available evidence, this variant is classified as Likely Pathogenic.

Baylor Genetics
Classification: Likely pathogenic for Benign recurrent intrahepatic cholestasis type 2. Last evaluated: 2023-02-19. Review status: criteria provided, single submitter. Criteria: ACMG Guidelines, 2015. Collection method: clinical testing. Allele origin: unknown.

Labcorp Genetics (formerly Invitae), Labcorp
Classification: Likely pathogenic. Last evaluated: 2022-07-22. Review status: criteria provided, single submitter. Criteria: Invitae Variant Classification Sherloc (09022015). Collection method: clinical testing. Allele origin: germline.
Comment: This sequence change affects an acceptor splice site in intron 11 of the ABCB11 gene. It is expected to disrupt RNA splicing. Variants that disrupt the donor or acceptor splice site typically lead to a loss of protein function (PMID: 16199547), and loss-of-function variants in ABCB11 are known to be pathogenic (PMID: 18395098, 20232290). In summary, the currently available evidence indicates that the variant is pathogenic, but additional data are needed to prove that conclusively. Therefore, this variant has been classified as Likely Pathogenic. Algorithms developed to predict the effect of sequence changes on RNA splicing suggest that this variant may disrupt the consensus splice site. This variant has not been reported in the literature in individuals affected with ABCB11-related conditions. This variant is not present in population databases (gnomAD no frequency).

Literature cited by the submitters: PubMed 16199547 (cited by Labcorp Genetics (formerly Invitae), Labcorp); PubMed 18395098 (cited by Labcorp Genetics (formerly Invitae), Labcorp); PubMed 20232290 (cited by Labcorp Genetics (formerly Invitae), Labcorp).